The following is an entry in ClinVar:

ClinVar aggregate classification (germline): Uncertain significance (1 of 4 stars; one submission).

Conditions:
Inborn genetic diseases. Identifiers: MedGen C0950123, MeSH D030342.

gnomAD v4.1: 1 of 1,614,190 alleles (0.000062%); highest among the groups gnomAD compares: Non-Finnish European, 0.000085%; no homozygotes.

Submission:

Ambry Genetics
Classification: Uncertain significance for Inborn genetic diseases. Last evaluated: 2025-10-16. Review status: criteria provided, single submitter. Criteria: Ambry Variant Classification Scheme 2023. Collection method: clinical testing. Allele origin: germline.
Comment: The p.E918K variant (also known as c.2752G>A), located in coding exon 28 of the FANCA gene, results from a G to A substitution at nucleotide position 2752. The glutamic acid at codon 918 is replaced by lysine, an amino acid with similar properties. This amino acid position is conserved. In addition, the in silico prediction for this alteration is inconclusive. Based on the available evidence, the clinical significance of this variant remains unclear.

NM_000135.4(FANCA):c.2752G>A (p.Glu918Lys)

Gene: FANCA (FA complementation group A; minus strand). Cytogenetic location: 16q24.3.
Variant type: single nucleotide variant.
Coding change: c.2752G>A on transcript NM_000135.4 (MANE Select); coding-DNA position 2752, G replaced by A.
Protein change: p.Glu918Lys; replaces glutamic acid 918 with lysine.
Molecular consequence: missense variant.
Genome position (GRCh38, 1-based): chr16:89,764,916, C>T on the plus strand (G>A on the coding strand, the complement: FANCA is on the minus strand). VCF-style: chr16-89764916-C-T. GRCh37 (hg19) VCF-style: chr16-89831324-C-T.
Other names: c.2752G>A, p.Glu918Lys (NM_001286167.3); short protein forms E918K.
Identifiers: ClinVar variation 4619206 (VCV004619206.1).